The following is an entry in ClinVar:

NC_000011.9:g.(?_2683171)_(2799287_?)dup

Genes: KCNQ1 (potassium voltage-gated channel subfamily Q member 1; plus strand), KCNQ1OT1 (KCNQ1 opposite strand/antisense transcript 1; minus strand). Cytogenetic location: 11p15.5.
Variant type: Duplication.
Identifiers: ClinVar variation 3244545 (VCV003244545.1).

ClinVar aggregate classification (germline): Likely pathogenic (1 of 4 stars; one submission).

Conditions:
Long QT syndrome (LQTS). Identifiers: MedGen C0023976, MeSH D008133, MONDO:0002442. Disease mechanism: loss of function. Inheritance: Various modes of inheritance.

Submission:

Labcorp Genetics (formerly Invitae), Labcorp
Classification: Likely pathogenic for Long QT syndrome. Last evaluated: 2022-11-23. Review status: criteria provided, single submitter. Criteria: Invitae Variant Classification Sherloc (09022015). Collection method: clinical testing. Allele origin: unknown.
Comment: In summary, the currently available evidence indicates that the variant is pathogenic, but additional data are needed to prove that conclusively. Therefore, this variant has been classified as Likely Pathogenic. This variant has not been reported in the literature in individuals affected with KCNQ1-related conditions. This variant results in a copy number gain of the genomic region encompassing exon(s) 11-15 of the KCNQ1 gene. While the exact position of this variant cannot be determined from the data, sub-genic copy number gains are generally in tandem (PMID: 25640679). This variant is predicted to be out-of-frame, and may result in an absent or disrupted protein product. Loss-of-function variants in KCNQ1 are known to be pathogenic (PMID: 9323054, 19862833).

Literature cited by the submitters: PubMed 25640679; PubMed 9323054; PubMed 19862833.